The following is an entry in ClinVar:

NM_000016.6(ACADM):c.496G>T (p.Gly166Cys)

Gene: ACADM (acyl-CoA dehydrogenase medium chain; plus strand). Cytogenetic location: 1p31.1.
Variant type: single nucleotide variant.
Coding change: c.496G>T on transcript NM_000016.6 (MANE Select); coding-DNA position 496, G replaced by T.
Protein change: p.Gly166Cys; replaces glycine 166 with cysteine.
Molecular consequence: missense variant. On other transcripts: 5 prime UTR variant (1).
Genome position (GRCh38, 1-based): chr1:75,740,007, G>T. VCF-style: chr1-75740007-G-T. GRCh37 (hg19) VCF-style: chr1-76205692-G-T.
Other names: c.508G>T, p.Gly170Cys (NM_001127328.3); c.388G>T, p.Gly130Cys (NM_001286042.2); c.595G>T, p.Gly199Cys (NM_001286043.2); c.-72G>T (NM_001286044.2); short protein forms G130C, G166C, G170C, G199C.
Identifiers: ClinVar variation 3902982 (VCV003902982.1).

ClinVar aggregate classification (germline): Uncertain significance (1 of 4 stars; one submission).

Submission:

GeneDx
Classification: Uncertain significance. Last evaluated: 2024-12-11. Review status: criteria provided, single submitter. Criteria: GeneDx Variant Classification Process June 2021. Collection method: clinical testing. Allele origin: germline. Affected: yes.
Comment: Not observed at significant frequency in large population cohorts (gnomAD); In silico analysis supports that this missense variant has a deleterious effect on protein structure/function; Has not been previously published as pathogenic or benign to our knowledge; Also known as p.G141C